The following is an entry in ClinVar:

NC_012920.1:m.8669G>C

Gene: MT-ATP6 (mitochondrially encoded ATP synthase 6; plus strand).
Variant type: single nucleotide variant.
Genome position: chrM-8669-G-C.
Identifiers: ClinVar variation 618717 (VCV000618717.8), dbSNP rs1569484228, ClinGen allele CA414797300.

ClinVar aggregate classification (germline): Uncertain significance (1 of 4 stars; one submission).

Submission:

ARUP Laboratories, Molecular Genetics and Genomics, ARUP Laboratories
Classification: Uncertain significance. Last evaluated: 2018-04-10. Review status: criteria provided, single submitter. Criteria: ARUP Molecular Germline Variant Investigation Process. Collection method: clinical testing. Allele origin: germline.
Comment: The m.8669G>C variant affects the sequence of the MT-ATP6 gene (c.143G>C; p.Trp48Ser). It was detected once in a study of obese young adults in Japan (Fuku 2002), but has not otherwise been reported in the medical literature or in gene-specific databases. The Mitomap population database contains a single listing for this variant, and the tryptophan at position 48 is moderately conserved, considering 12 species. Based on the available information, the clinical significance of the m.8669G>C variant cannot be determined with certainty.